The following is an entry in ClinVar:

NM_000051.4(ATM):c.626T>A (p.Phe209Tyr)

Gene: ATM (ATM serine/threonine kinase; plus strand). Cytogenetic location: 11q22.3.
Variant type: single nucleotide variant.
Coding change: c.626T>A on transcript NM_000051.4 (MANE Select); coding-DNA position 626, T replaced by A.
Protein change: p.Phe209Tyr; replaces phenylalanine 209 with tyrosine.
Molecular consequence: missense variant.
Genome position (GRCh38, 1-based): chr11:108,244,082, T>A. VCF-style: chr11-108244082-T-A. GRCh37 (hg19) VCF-style: chr11-108114809-T-A.
Other names: c.626T>A, p.Phe209Tyr (NM_001351834.2); short protein forms F209Y.
Identifiers: ClinVar variation 3222282 (VCV003222282.4), dbSNP rs2497133569, ClinGen allele CA382528327.

ClinVar aggregate classification (germline): Uncertain significance. Review status: criteria provided, multiple submitters, no conflicts (2 of 4 stars). 3 submissions from 3 submitters: Uncertain significance (3). Last evaluated 2024-03-04.

Conditions:
Hereditary cancer-predisposing syndrome. Also called: Hereditary Cancer Syndrome; Tumor predisposition; Neoplastic Syndromes, Hereditary; Hereditary neoplastic syndrome. Identifiers: Orphanet 140162, MedGen C0027672, MeSH D009386, MONDO:0015356.
Ataxia-telangiectasia syndrome (AT). Also called: ATAXIA-TELANGIECTASIA, COMPLEMENTATION GROUP A; Ataxia-telangiectasia, complementation group E; Cerebello-oculocutaneous telangiectasia; Immunodeficiency with ataxia telangiectasia; LOUIS-BAR SYNDROME; ATAXIA-TELANGIECTASIA, FRESNO VARIANT. Identifiers: Orphanet 100, MedGen C0004135, MONDO:0008840, OMIM 208900.
Familial cancer of breast. Also called: BREAST CANCER, FAMILIAL; hereditary breast carcinoma; Hereditary breast cancer. Identifiers: Orphanet 227535, MedGen C0346153, MONDO:0016419, OMIM 114480. Disease mechanism: loss of function.

Submissions (3):

Labcorp Genetics (formerly Invitae), Labcorp
Classification: Uncertain significance for Ataxia-telangiectasia syndrome. Last evaluated: 2024-03-04. Review status: criteria provided, single submitter. Criteria: Invitae Variant Classification Sherloc (09022015). Collection method: clinical testing. Allele origin: germline.
Comment: This sequence change replaces phenylalanine, which is neutral and non-polar, with tyrosine, which is neutral and polar, at codon 209 of the ATM protein (p.Phe209Tyr). This variant is not present in population databases (gnomAD no frequency). This variant has not been reported in the literature in individuals affected with ATM-related conditions. Algorithms developed to predict the effect of missense changes on protein structure and function output the following: SIFT: "Not Available"; PolyPhen-2: "Benign"; Align-GVGD: "Not Available". The tyrosine amino acid residue is found in multiple mammalian species, which suggests that this missense change does not adversely affect protein function. In summary, the available evidence is currently insufficient to determine the role of this variant in disease. Therefore, it has been classified as a Variant of Uncertain Significance.

Ambry Genetics
Classification: Uncertain significance for Hereditary cancer-predisposing syndrome. Last evaluated: 2024-02-20. Review status: criteria provided, single submitter. Criteria: Ambry Variant Classification Scheme 2023. Collection method: clinical testing. Allele origin: germline.
Comment: The p.F209Y variant (also known as c.626T>A), located in coding exon 5 of the ATM gene, results from a T to A substitution at nucleotide position 626. The phenylalanine at codon 209 is replaced by tyrosine, an amino acid with highly similar properties. This amino acid position is conserved. In addition, this alteration is predicted to be tolerated by in silico analysis. Based on the available evidence, the clinical significance of this alteration remains unclear.

Department of Pathology and Laboratory Medicine, Sinai Health System
Classification: Uncertain significance for Familial cancer of breast. Last evaluated: 2021-09-08. Review status: criteria provided, single submitter. Criteria: ACMG Guidelines, 2015. Collection method: clinical testing. Allele origin: germline. Affected: yes.